The following is an entry in ClinVar:

ClinVar aggregate classification (germline): Uncertain significance (1 of 4 stars; one submission).

Submission:

Labcorp Genetics (formerly Invitae), Labcorp
Classification: Uncertain significance. Last evaluated: 2022-02-17. Review status: criteria provided, single submitter. Criteria: Invitae Variant Classification Sherloc (09022015). Collection method: clinical testing. Allele origin: germline.
Comment: This sequence change replaces arginine, which is basic and polar, with glycine, which is neutral and non-polar, at codon 42 of the LRRC10 protein (p.Arg42Gly). This variant is present in population databases (no rsID available, gnomAD 0.01%). This variant has not been reported in the literature in individuals affected with LRRC10-related conditions. Algorithms developed to predict the effect of missense changes on protein structure and function are either unavailable or do not agree on the potential impact of this missense change (SIFT: "Deleterious"; PolyPhen-2: "Possibly Damaging"; Align-GVGD: "Class C15"). In summary, the available evidence is currently insufficient to determine the role of this variant in disease. Therefore, it has been classified as a Variant of Uncertain Significance.

NM_201550.4(LRRC10):c.124C>G (p.Arg42Gly)

Gene: LRRC10 (leucine rich repeat containing 10; minus strand). Cytogenetic location: 12q15.
Variant type: single nucleotide variant.
Coding change: c.124C>G on transcript NM_201550.4 (MANE Select); coding-DNA position 124, C replaced by G.
Protein change: p.Arg42Gly; replaces arginine 42 with glycine.
Molecular consequence: missense variant.
Genome position (GRCh38, 1-based): chr12:69,610,715, G>C on the plus strand (C>G on the coding strand, the complement: LRRC10 is on the minus strand). VCF-style: chr12-69610715-G-C. GRCh37 (hg19) VCF-style: chr12-70004495-G-C.
Other names: short protein forms R42G.
Identifiers: ClinVar variation 2185712 (VCV002185712.4), dbSNP rs768421373, ClinGen allele CA385738078.